The following is an entry in ClinVar:

ClinVar aggregate classification (germline): Uncertain significance (1 of 4 stars; one submission).

Allele frequency attached by ClinVar (database versions not stated): gnomAD exomes 0.00001; TOPMed 0.00001.
gnomAD v4.1: 3 of 1,614,010 alleles (0.00019%); highest among the groups gnomAD compares: Admixed American, 0.005%; no homozygotes.

Submission:

Labcorp Genetics (formerly Invitae), Labcorp
Classification: Uncertain significance. Last evaluated: 2023-12-19. Review status: criteria provided, single submitter. Criteria: Invitae Variant Classification Sherloc (09022015). Collection method: clinical testing. Allele origin: germline.
Comment: This sequence change replaces isoleucine, which is neutral and non-polar, with leucine, which is neutral and non-polar, at codon 3830 of the HMCN1 protein (p.Ile3830Leu). This variant is present in population databases (no rsID available, gnomAD 0.003%). This variant has not been reported in the literature in individuals affected with HMCN1-related conditions. An algorithm developed to predict the effect of missense changes on protein structure and function (PolyPhen-2) suggests that this variant is likely to be disruptive. In summary, the available evidence is currently insufficient to determine the role of this variant in disease. Therefore, it has been classified as a Variant of Uncertain Significance.

NM_031935.3(HMCN1):c.11488A>T (p.Ile3830Leu)

Gene: HMCN1 (hemicentin 1; plus strand). Cytogenetic location: 1q31.1.
Variant type: single nucleotide variant.
Coding change: c.11488A>T on transcript NM_031935.3 (MANE Select); coding-DNA position 11488, A replaced by T.
Protein change: p.Ile3830Leu; replaces isoleucine 3830 with leucine.
Molecular consequence: missense variant.
Genome position (GRCh38, 1-based): chr1:186,115,341, A>T. VCF-style: chr1-186115341-A-T. GRCh37 (hg19) VCF-style: chr1-186084473-A-T.
Other names: short protein forms I3830L.
Identifiers: ClinVar variation 2827529 (VCV002827529.3), dbSNP rs888342799, ClinGen allele CA33505656.